The following is an entry in ClinVar:

NM_002661.5(PLCG2):c.1362+4G>C

Gene: PLCG2 (phospholipase C gamma 2; plus strand). Cytogenetic location: 16q23.3.
Variant type: single nucleotide variant.
Coding change: c.1362+4G>C on transcript NM_002661.5 (MANE Select); 4 bases into the intron after coding-DNA position 1362, G replaced by C.
Molecular consequence: intron variant.
Genome position (GRCh38, 1-based): chr16:81,900,784, G>C. VCF-style: chr16-81900784-G-C. GRCh37 (hg19) VCF-style: chr16-81934389-G-C.
Identifiers: ClinVar variation 3058401 (VCV003058401.4), dbSNP rs147501175, ClinGen allele CA8193697.

ClinVar aggregate classification (germline): Uncertain significance. Review status: criteria provided, single submitter (1 of 4 stars). 2 submissions from 2 submitters: Uncertain significance (1). 1 of the submissions does not count toward it. Last evaluated 2025-12-08.

Conditions:
Familial cold autoinflammatory syndrome 3 (FCAS3). Also called: ANTIBODY DEFICIENCY AND IMMUNE DYSREGULATION, PLCG2-ASSOCIATED; FAMILIAL ATYPICAL COLD URTICARIA. Identifiers: Orphanet 300359, MedGen C3280914, MONDO:0013766, OMIM 614468.
PLCG2-related disorder. Also called: PLCG2-related condition.

Allele frequency attached by ClinVar (database versions not stated): ExAC 0.00002; 1000 Genomes Project 0.00020; TOPMed 0.00001; gnomAD 0.00001; 1000 Genomes Project 30x 0.00016.
gnomAD v4.1: 12 of 1,594,400 alleles (0.00075%); highest among the groups gnomAD compares: East Asian, 0.027%; no homozygotes.

Submissions (2):

Labcorp Genetics (formerly Invitae), Labcorp
Classification: Uncertain significance for Familial cold autoinflammatory syndrome 3. Last evaluated: 2025-12-08. Review status: criteria provided, single submitter. Criteria: Invitae Variant Classification Sherloc (09022015). Collection method: clinical testing. Allele origin: germline.
Comment: This sequence change falls in intron 14 of the PLCG2 gene. It does not directly change the encoded amino acid sequence of the PLCG2 protein. It affects a nucleotide within the consensus splice site. This variant is present in population databases (rs147501175, gnomAD 0.02%). This variant has not been reported in the literature in individuals affected with PLCG2-related conditions. ClinVar contains an entry for this variant (Variation ID: 3058401). Variants that disrupt the consensus splice site are a relatively common cause of aberrant splicing (PMID: 17576681, 9536098). Algorithms developed to predict the effect of sequence changes on RNA splicing suggest that this variant is not likely to affect RNA splicing. In summary, the available evidence is currently insufficient to determine the role of this variant in disease. Therefore, it has been classified as a Variant of Uncertain Significance.

PreventionGenetics, part of Exact Sciences
Classification: Likely benign for PLCG2-related condition. Last evaluated: 2021-08-13. Review status: no assertion criteria provided. Collection method: clinical testing. Allele origin: germline. Not counted in ClinVar's aggregate classification.
Comment: This variant is classified as likely benign based on ACMG/AMP sequence variant interpretation guidelines (Richards et al. 2015 PMID: 25741868, with internal and published modifications).

Literature cited by the submitters: PubMed 17576681 (cited by Labcorp Genetics (formerly Invitae), Labcorp); PubMed 9536098 (cited by Labcorp Genetics (formerly Invitae), Labcorp).